The following is an entry in ClinVar:

ClinVar aggregate classification (germline): Uncertain significance. Review status: criteria provided, single submitter (1 of 4 stars). 2 submissions from 2 submitters: Uncertain significance (1). 1 of the submissions does not count toward it. Last evaluated 2022-08-30.

Conditions:
ZP3-related disorder. Also called: ZP3-related condition.

Allele frequency attached by ClinVar (database versions not stated): gnomAD 0.00009; gnomAD exomes 0.00018; TOPMed 0.00029.
gnomAD v4.1: 113 of 1,542,380 alleles (0.0073%); highest among the groups gnomAD compares: Admixed American, 0.21%; 1 homozygote.

Submissions (2):

Ambry Genetics
Classification: Uncertain significance. Last evaluated: 2022-08-30. Review status: criteria provided, single submitter. Criteria: Ambry Variant Classification Scheme 2023. Collection method: clinical testing. Allele origin: germline.

PreventionGenetics, part of Exact Sciences
Classification: Likely benign for ZP3-related condition. Last evaluated: 2019-06-27. Review status: no assertion criteria provided. Collection method: clinical testing. Allele origin: germline. Not counted in ClinVar's aggregate classification.
Comment: This variant is classified as likely benign based on ACMG/AMP sequence variant interpretation guidelines (Richards et al. 2015 PMID: 25741868, with internal and published modifications).

NM_001110354.2(ZP3):c.13T>G (p.Tyr5Asp)

Gene: ZP3 (zona pellucida glycoprotein 3; plus strand). Cytogenetic location: 7q11.23.
Variant type: single nucleotide variant.
Coding change: c.13T>G on transcript NM_001110354.2 (MANE Select); coding-DNA position 13, T replaced by G.
Protein change: p.Tyr5Asp; replaces tyrosine 5 with aspartic acid.
Molecular consequence: missense variant. On other transcripts: intron variant (1).
Genome position (GRCh38, 1-based): chr7:76,424,977, T>G. VCF-style: chr7-76424977-T-G. GRCh37 (hg19) VCF-style: chr7-76054294-T-G.
Other names: c.-66-75T>G (NM_007155.6); short protein forms Y5D.
Identifiers: ClinVar variation 2357087 (VCV002357087.4), dbSNP rs757981555, ClinGen allele CA4307187.